The following is an entry in ClinVar:

NM_002890.3(RASA1):c.2645del (p.Gln882fs)

Genes: CCNH (cyclin H; minus strand), RASA1 (RAS p21 protein activator 1; plus strand). Cytogenetic location: 5q14.3.
Variant type: Deletion.
Coding change: c.2645del on transcript NM_002890.3 (MANE Select); coding-DNA position 2645, one base deleted (A; older notation c.2645delA).
Protein change: p.Gln882fs; shifts the reading frame from glutamine 882.
Molecular consequence: frameshift variant. On other transcripts: intron variant (1).
Genome position (GRCh38, 1-based): chr5:87,380,550, A deleted. VCF-style (leftmost placement, unchanged base first): chr5-87380549-CA-C. GRCh37 (hg19) VCF-style: chr5-86676366-CA-C.
Other names: c.2114del, p.Gln705fs (NM_022650.3); c.933+14494del (NM_001364075.2); short protein forms Q705fs, Q882fs.
Identifiers: ClinVar variation 3647167 (VCV003647167.2).
Genomic context (GRCh38, chr5:87,380,549, plus strand): 5'-TGATTGTGTTATTTTGGCAGGACATTGAGATATATTTATGGGTGTTTACAGAAATCTGTT[CA>C]GCATAAGTGGCCTACAAATACCACCATGAGAACAAGAGTTGTTAGGTAAGGCTCATCAAT-3'

ClinVar aggregate classification (germline): Pathogenic (1 of 4 stars; one submission).

Conditions:
Capillary malformation-arteriovenous malformation syndrome. Also called: Capillary malformation-arteriovenous malformation. Identifiers: Orphanet 137667, MedGen C1842180, MONDO:0012016.

Submission:

Labcorp Genetics (formerly Invitae), Labcorp
Classification: Pathogenic for Capillary malformation-arteriovenous malformation syndrome. Last evaluated: 2024-03-21. Review status: criteria provided, single submitter. Criteria: Invitae Variant Classification Sherloc (09022015). Collection method: clinical testing. Allele origin: germline.
Comment: This sequence change creates a premature translational stop signal (p.Gln882Argfs*10) in the RASA1 gene. It is expected to result in an absent or disrupted protein product. Loss-of-function variants in RASA1 are known to be pathogenic (PMID: 24038909). This variant is not present in population databases (gnomAD no frequency). This variant has not been reported in the literature in individuals affected with RASA1-related conditions. For these reasons, this variant has been classified as Pathogenic.

Literature cited by the submitters: PubMed 24038909.